The following is an entry in ClinVar:

ClinVar aggregate classification (germline): Conflicting classifications of pathogenicity. Review status: criteria provided, conflicting classifications (1 of 4 stars). 5 submissions from 5 submitters: Uncertain significance (3); Likely benign (2). Last evaluated 2025-12-29.

Conditions:
Inborn genetic diseases. Identifiers: MedGen C0950123, MeSH D030342.

Allele frequency attached by ClinVar (database versions not stated): gnomAD exomes 0.00003; ExAC 0.00011; ESP Exome Variant Server 0.00023; gnomAD 0.00036 and 0.00039; TOPMed 0.00045.
gnomAD v4.1: 76 of 1,612,492 alleles (0.0047%); highest among the groups gnomAD compares: African/African-American, 0.091%; no homozygotes.

Submissions (5):

Labcorp Genetics (formerly Invitae), Labcorp
Classification: Likely benign. Last evaluated: 2025-12-29. Review status: criteria provided, single submitter. Criteria: Invitae Variant Classification Sherloc (09022015). Collection method: clinical testing. Allele origin: germline.

Ambry Genetics
Classification: Uncertain significance for Inborn genetic diseases. Last evaluated: 2024-11-13. Review status: criteria provided, single submitter. Criteria: Ambry Variant Classification Scheme 2023. Collection method: clinical testing. Allele origin: germline.

Blueprint Genetics
Classification: Likely benign. Last evaluated: 2023-09-05. Review status: criteria provided, single submitter. Criteria: ACMG Guidelines, 2015. Collection method: clinical testing. Allele origin: germline.

Genetic Services Laboratory, University of Chicago
Classification: Uncertain significance. Last evaluated: 2023-03-24. Review status: criteria provided, single submitter. Criteria: ACMG Guidelines, 2015. Collection method: clinical testing. Allele origin: germline. Affected: no.
Comment: DNA sequence analysis of the TRAF3IP1 gene demonstrated a sequence change, c.1860G>A, in exon 16 that results in an amino acid change, p.Met620Ile. This sequence change has been described in the gnomAD database with a frequency of 0.056% in the African/African American subpopulation (dbSNP rs142814134). The p.Met620Ile change affects a poorly conserved amino acid residue located in a domain of the TRAF3IP1 protein that is known to be functional. The p.Met620Ile substitution appears to be benign using several in-silico pathogenicity prediction tools (SIFT, PolyPhen2, Align GVGD, REVEL). This sequence change does not appear to have been previously described in individuals with TRAF3IP1-related disorders. Due to insufficient evidences and the lack of functional studies, the clinical significance of the p.Met620Ile change remains unknown at this time.

Mayo Clinic Laboratories, Mayo Clinic
Classification: Uncertain significance. Last evaluated: 2022-11-22. Review status: criteria provided, single submitter. Criteria: ACMG Guidelines, 2015. Collection method: clinical testing. Allele origin: germline. Observed: 1 variant allele.
Comment: BP4

NM_015650.4(IFT54):c.1860G>A (p.Met620Ile)

Gene: IFT54 (intraflagellar transport 54; plus strand). Cytogenetic location: 2q37.3.
Variant type: single nucleotide variant.
Coding change: c.1860G>A on transcript NM_015650.4 (MANE Select); coding-DNA position 1860, G replaced by A.
Protein change: p.Met620Ile; replaces methionine 620 with isoleucine.
Molecular consequence: missense variant.
Genome position (GRCh38, 1-based): chr2:238,397,629, G>A. VCF-style: chr2-238397629-G-A. GRCh37 (hg19) VCF-style: chr2-239306270-G-A.
Other names: p.Met620Ile; c.1662G>A, p.Met554Ile (NM_001139490.1); short protein forms M620I, M554I.
Identifiers: ClinVar variation 833894 (VCV000833894.14), dbSNP rs142814134, ClinGen allele CA2198592.
Genomic context (GRCh38, chr2:238,397,629, plus strand): 5'-GGGGAAGATCATGGACTACATCCAGGAAGACGTGGATGCCATGCAGAATGAGCTGCAGAT[G>A]TGGCACAGCGAGAACAGGCAGCACGCCGAGGCCCTGCAGCAGGAGCAGAGGTGGGGGGTA-3'
Protein context (NP_056465.2, residues 610-630): DVDAMQNELQ[Met620Ile]WHSENRQHAE